The following is an entry in ClinVar:

ClinVar aggregate classification (germline): Uncertain significance. Review status: criteria provided, multiple submitters, no conflicts (2 of 4 stars). 2 submissions from 2 submitters: Uncertain significance (2). Last evaluated 2023-08-15.

Allele frequency attached by ClinVar (database versions not stated): ExAC 0.00002; gnomAD exomes 0.00002 and 0.00007; TOPMed 0.00003; gnomAD 0.00004; ESP Exome Variant Server 0.00008.
gnomAD v4.1: 116 of 1,613,494 alleles (0.0072%); highest among the groups gnomAD compares: Middle Eastern, 0.049%; 1 homozygote.

Submissions (2):

Mayo Clinic Laboratories, Mayo Clinic
Classification: Uncertain significance. Last evaluated: 2023-08-15. Review status: criteria provided, single submitter. Criteria: ACMG Guidelines, 2015. Collection method: clinical testing. Allele origin: germline. Observed: 1 variant allele.
Comment: PM2_moderate

Labcorp Genetics (formerly Invitae), Labcorp
Classification: Uncertain significance. Last evaluated: 2022-10-13. Review status: criteria provided, single submitter. Criteria: Invitae Variant Classification Sherloc (09022015). Collection method: clinical testing. Allele origin: germline.
Comment: This sequence change replaces tyrosine, which is neutral and polar, with cysteine, which is neutral and slightly polar, at codon 83 of the PEPD protein (p.Tyr83Cys). This variant is present in population databases (rs376397947, gnomAD 0.01%). This variant has not been reported in the literature in individuals affected with PEPD-related conditions. ClinVar contains an entry for this variant (Variation ID: 1396786). Advanced modeling of protein sequence and biophysical properties (such as structural, functional, and spatial information, amino acid conservation, physicochemical variation, residue mobility, and thermodynamic stability) performed at Invitae indicates that this missense variant is not expected to disrupt PEPD protein function. In summary, the available evidence is currently insufficient to determine the role of this variant in disease. Therefore, it has been classified as a Variant of Uncertain Significance.

Literature cited by the submitters: PubMed 29930383 (cited by Mayo Clinic Laboratories, Mayo Clinic).

NM_000285.4(PEPD):c.248A>G (p.Tyr83Cys)

Gene: PEPD (peptidase D; minus strand). Cytogenetic location: 19q13.11.
Variant type: single nucleotide variant.
Coding change: c.248A>G on transcript NM_000285.4 (MANE Select); coding-DNA position 248, A replaced by G.
Protein change: p.Tyr83Cys; replaces tyrosine 83 with cysteine.
Molecular consequence: missense variant. On other transcripts: intron variant (1).
Genome position (GRCh38, 1-based): chr19:33,511,109, T>C on the plus strand (A>G on the coding strand, the complement: PEPD is on the minus strand). VCF-style: chr19-33511109-T-C. GRCh37 (hg19) VCF-style: chr19-34002015-T-C.
Other names: p.Tyr83Cys; c.248A>G, p.Tyr83Cys (NM_001166056.2); c.201+1484A>G (NM_001166057.2); short protein forms Y83C.
Identifiers: ClinVar variation 1396786 (VCV001396786.4), dbSNP rs376397947, ClinGen allele CA9364431.
Genomic context (GRCh38, chr19:33,511,109, plus strand): 5'-CTGGCAGGAAGCCTGGGCACAAACAGGGTCGACTTCCCAGTGTCAACATCGATGACACCA[T>C]AGCAGCCTGGCTCAGTGACACCGAACGCCCAGTGAAAGAAGGACTCCTGTGGCGGGAACA-3'
Protein context (NP_000276.2, residues 73-93): WAFGVTEPGC[Tyr83Cys]GVIDVDTGKS